The following is an entry in ClinVar:

ClinVar aggregate classification (germline): Uncertain significance. Review status: criteria provided, multiple submitters, no conflicts (2 of 4 stars). 2 submissions from 2 submitters: Uncertain significance (2). Last evaluated 2018-10-01.

Conditions:
Methylmalonic acidemia with homocystinuria, type cblX (MAHCX). Also called: INTELLECTUAL DEVELOPMENTAL DISORDER, X-LINKED 3. Identifiers: Orphanet 369962, MedGen C0796208, MONDO:0010657, OMIM 309541.

Submissions (2):

CeGaT Center for Human Genetics Tuebingen
Classification: Uncertain significance. Last evaluated: 2018-10-01. Review status: criteria provided, single submitter. Criteria: CeGaT Center For Human Genetics Tuebingen Variant Classification Criteria Version 2. Collection method: clinical testing. Allele origin: germline. Affected: yes. Observed: 1 variant allele.

Daryl Scott Lab, Baylor College of Medicine
Classification: Uncertain significance for Methylmalonic acidemia with homocystinuria, type cblX. Review status: criteria provided, single submitter. Criteria: ACMG Guidelines, 2015. Collection method: clinical testing. Allele origin: maternal. Affected: yes. Observed: 1 heterozygote.
Comment: PM2

NM_005334.3(HCFC1):c.5087AGC[5] (p.Gln1699dup)

Gene: HCFC1 (host cell factor C1; minus strand). Cytogenetic location: Xq28.
Variant type: Microsatellite.
Coding change: c.5087AGC[5] on transcript NM_005334.3 (MANE Select); five copies in a row of the 3-base unit AGC starting at c.5087; the reference has four copies in a row; one copy, 3 bases duplicated; also written c.5096_5098dup.
Protein change: p.Gln1699dup; duplicates glutamine 1699.
Molecular consequence: inframe insertion.
Genome position (GRCh38, 1-based): chrX:153,952,003-153,952,005, GCT duplicated on the plus strand (AGC on the coding strand, the reverse complement: HCFC1 is on the minus strand); duplicating any 3 consecutive bases within chrX:153,952,003-153,952,016 gives the same sequence; the position shown is the placement nearest the transcript's 3' end. VCF-style (leftmost placement, unchanged base first): chrX-153952002-A-AGCT. GRCh37 (hg19) VCF-style: chrX-153217453-A-AGCT.
Other names: c.5096_5098dup (NM_005334.3).
Identifiers: ClinVar variation 807848 (VCV000807848.43), dbSNP rs782149930, ClinGen allele CA415107514.